The following is an entry in ClinVar:

NM_001365999.1(SZT2):c.8810C>T (p.Pro2937Leu)

Gene: SZT2 (SZT2 subunit of KICSTOR complex; plus strand). Cytogenetic location: 1p34.2.
Variant type: single nucleotide variant.
Coding change: c.8810C>T on transcript NM_001365999.1 (MANE Select); coding-DNA position 8810, C replaced by T.
Protein change: p.Pro2937Leu; replaces proline 2937 with leucine.
Molecular consequence: missense variant.
Genome position (GRCh38, 1-based): chr1:43,443,781, C>T. VCF-style: chr1-43443781-C-T. GRCh37 (hg19) VCF-style: chr1-43909452-C-T.
Other names: c.8639C>T, p.Pro2880Leu (NM_015284.4); short protein forms P2880L, P2937L.
Identifiers: ClinVar variation 4755707 (VCV004755707.1).

ClinVar aggregate classification (germline): Uncertain significance (1 of 4 stars; one submission).

gnomAD v4.1: 12 of 1,613,496 alleles (0.00074%); highest among the groups gnomAD compares: South Asian, 0.0044%; no homozygotes.

Submission:

GeneDx
Classification: Uncertain significance. Last evaluated: 2025-08-08. Review status: criteria provided, single submitter. Criteria: GeneDx Variant Classification Process June 2021. Collection method: clinical testing. Allele origin: germline. Affected: yes.
Comment: Not observed at significant frequency in large population cohorts (gnomAD); In silico analysis suggests that this missense variant does not alter protein structure/function; Has not been previously published as pathogenic or benign to our knowledge